The following is an entry in ClinVar:

NM_003873.7(NRP1):c.1800G>A (p.Val600=)

Gene: NRP1 (neuropilin 1; minus strand). Cytogenetic location: 10p11.22.
Variant type: single nucleotide variant.
Coding change: c.1800G>A on transcript NM_003873.7 (MANE Select); coding-DNA position 1800, G replaced by A.
Protein change: p.Val600=; no amino-acid change (valine 600 retained).
Molecular consequence: synonymous variant. On other transcripts: non-coding transcript variant (1), intron variant (1).
Genome position (GRCh38, 1-based): chr10:33,202,955, C>T on the plus strand (G>A on the coding strand, the complement: NRP1 is on the minus strand). VCF-style: chr10-33202955-C-T. GRCh37 (hg19) VCF-style: chr10-33491883-C-T.
Other names: c.1800G>A, p.Val600= (NM_001024628.3, NM_001244972.2, NM_001244973.2 and 1 more transcripts); c.1759+4617G>A (NM_001024629.3).
Identifiers: ClinVar variation 3046453 (VCV003046453.2), dbSNP rs367813664, ClinGen allele CA5466429.

ClinVar aggregate classification (germline): Likely benign (0 of 4 stars; one submission).

Conditions:
NRP1-related disorder. Also called: NRP1-related condition.

Allele frequency attached by ClinVar (database versions not stated): gnomAD exomes 0.00001; TOPMed 0.00003; gnomAD 0.00007; ExAC 0.00012; 1000 Genomes Project 0.00040; 1000 Genomes Project 30x 0.00047.
gnomAD v4.1: 33 of 1,614,162 alleles (0.002%); highest among the groups gnomAD compares: East Asian, 0.058%; no homozygotes.

Submission:

PreventionGenetics, part of Exact Sciences
Classification: Likely benign for NRP1-related condition. Last evaluated: 2023-01-27. Review status: no assertion criteria provided. Collection method: clinical testing. Allele origin: germline.
Comment: This variant is classified as likely benign based on ACMG/AMP sequence variant interpretation guidelines (Richards et al. 2015 PMID: 25741868, with internal and published modifications).